The following is an entry in ClinVar:

NM_001171613.2(PREPL):c.1137C>G (p.Asp379Glu)

Gene: PREPL (prolyl endopeptidase like; minus strand). Cytogenetic location: 2p21.
Variant type: single nucleotide variant.
Coding change: c.1137C>G on transcript NM_001171613.2 (MANE Select); coding-DNA position 1137, C replaced by G.
Protein change: p.Asp379Glu; replaces aspartic acid 379 with glutamic acid.
Molecular consequence: missense variant.
Genome position (GRCh38, 1-based): chr2:44,329,062, G>C on the plus strand (C>G on the coding strand, the complement: PREPL is on the minus strand). VCF-style: chr2-44329062-G-C. GRCh37 (hg19) VCF-style: chr2-44556201-G-C.
Other names: c.1218C>G, p.Asp406Glu (NM_001042385.2); c.1206C>G, p.Asp402Glu (NM_001042386.2); c.1404C>G, p.Asp468Glu (NM_001171603.1, NM_001171606.2, NM_001374275.1 and 2 more transcripts); c.1137C>G, p.Asp379Glu (NM_001171617.1, NM_001374277.1); short protein forms D402E, D406E, D379E, D468E.
Identifiers: ClinVar variation 2124931 (VCV002124931.4), dbSNP rs748665153, ClinGen allele CA1641217.

ClinVar aggregate classification (germline): Uncertain significance (1 of 4 stars; one submission).

Conditions:
Myasthenic syndrome, congenital, 22 (CMS22). Also called: PREPL DEFICIENCY. Identifiers: MedGen C4479088, MONDO:0044299, OMIM 616224.

Allele frequency attached by ClinVar (database versions not stated): ExAC 0.00001; TOPMed 0.00001.
gnomAD v4.1: 1 of 1,611,274 alleles (0.000062%); highest among the groups gnomAD compares: Non-Finnish European, 0.000085%; no homozygotes.

Submission:

Labcorp Genetics (formerly Invitae), Labcorp
Classification: Uncertain significance for Myasthenic syndrome, congenital, 22. Last evaluated: 2022-08-22. Review status: criteria provided, single submitter. Criteria: Invitae Variant Classification Sherloc (09022015). Collection method: clinical testing. Allele origin: germline.
Comment: Algorithms developed to predict the effect of missense changes on protein structure and function (SIFT, PolyPhen-2, Align-GVGD) all suggest that this variant is likely to be tolerated. This variant has not been reported in the literature in individuals affected with PREPL-related conditions. This variant is present in population databases (rs748665153, gnomAD 0.0009%). This sequence change replaces aspartic acid, which is acidic and polar, with glutamic acid, which is acidic and polar, at codon 468 of the PREPL protein (p.Asp468Glu). In summary, the available evidence is currently insufficient to determine the role of this variant in disease. Therefore, it has been classified as a Variant of Uncertain Significance.